The following is an entry in ClinVar:

NM_004369.4(COL6A3):c.2546T>A (p.Val849Glu)

Gene: COL6A3 (collagen type VI alpha 3 chain; minus strand). Cytogenetic location: 2q37.3.
Variant type: single nucleotide variant.
Coding change: c.2546T>A on transcript NM_004369.4 (MANE Select); coding-DNA position 2546, T replaced by A.
Protein change: p.Val849Glu; replaces valine 849 with glutamic acid.
Molecular consequence: missense variant.
Genome position (GRCh38, 1-based): chr2:237,377,296, A>T on the plus strand (T>A on the coding strand, the complement: COL6A3 is on the minus strand). VCF-style: chr2-237377296-A-T. GRCh37 (hg19) VCF-style: chr2-238285939-A-T.
Other names: c.1325T>A, p.Val442Glu (NM_057164.5); c.1928T>A, p.Val643Glu (NM_057165.5, NM_057167.4); c.725T>A, p.Val242Glu (NM_057166.5); short protein forms V849E, V242E, V442E, V643E.
Identifiers: ClinVar variation 646085 (VCV000646085.10), dbSNP rs1574716769, ClinGen allele CA351211359.

ClinVar aggregate classification (germline): Uncertain significance (1 of 4 stars; one submission).

Conditions:
Bethlem myopathy 1A. Also called: Bethlem Muscular Dystrophy; Bethlem myopathy 1; MYOPATHY, BENIGN CONGENITAL, WITH CONTRACTURES. Identifiers: Orphanet 610, MedGen CN029274, MONDO:0024530, OMIM 158810.

Submission:

Labcorp Genetics (formerly Invitae), Labcorp
Classification: Uncertain significance for Bethlem myopathy 1A. Last evaluated: 2022-10-04. Review status: criteria provided, single submitter. Criteria: Invitae Variant Classification Sherloc (09022015). Collection method: clinical testing. Allele origin: germline.
Comment: This sequence change replaces valine, which is neutral and non-polar, with glutamic acid, which is acidic and polar, at codon 849 of the COL6A3 protein (p.Val849Glu). This variant is not present in population databases (gnomAD no frequency). In summary, the available evidence is currently insufficient to determine the role of this variant in disease. Therefore, it has been classified as a Variant of Uncertain Significance. Advanced modeling of protein sequence and biophysical properties (such as structural, functional, and spatial information, amino acid conservation, physicochemical variation, residue mobility, and thermodynamic stability) performed at Invitae indicates that this missense variant is not expected to disrupt COL6A3 protein function. ClinVar contains an entry for this variant (Variation ID: 646085). This variant has not been reported in the literature in individuals affected with COL6A3-related conditions.